The following is an entry in ClinVar:

ClinVar aggregate classification (germline): Uncertain significance (1 of 4 stars; one submission).

Conditions:
Distal myopathy with posterior leg and anterior hand involvement. Also called: WILLIAMS DISTAL MYOPATHY. Identifiers: Orphanet 63273, MedGen C3279722, MONDO:0013550, OMIM 614065.
Hypertrophic cardiomyopathy 26. Also called: Cardiomyopathy, familial hypertrophic, 26. Identifiers: Orphanet 75249, MedGen C4310749, MONDO:0014883, OMIM 617047.
Myofibrillar myopathy 5. Also called: Filaminopathy (type); FILAMINOPATHY, AUTOSOMAL DOMINANT. Identifiers: Orphanet 171445, MedGen C1836050, MONDO:0012289, OMIM 609524.

Submission:

Labcorp Genetics (formerly Invitae), Labcorp
Classification: Uncertain significance for Distal myopathy with posterior leg and anterior hand involvement; Myofibrillar myopathy 5; Hypertrophic cardiomyopathy 26. Last evaluated: 2024-03-12. Review status: criteria provided, single submitter. Criteria: Invitae Variant Classification Sherloc (09022015). Collection method: clinical testing. Allele origin: germline.
Comment: This sequence change replaces serine, which is neutral and polar, with phenylalanine, which is neutral and non-polar, at codon 2607 of the FLNC protein (p.Ser2607Phe). This variant is not present in population databases (gnomAD no frequency). This variant has not been reported in the literature in individuals affected with FLNC-related conditions. Advanced modeling of protein sequence and biophysical properties (such as structural, functional, and spatial information, amino acid conservation, physicochemical variation, residue mobility, and thermodynamic stability) performed at Invitae indicates that this missense variant is not expected to disrupt FLNC protein function with a negative predictive value of 95%. In summary, the available evidence is currently insufficient to determine the role of this variant in disease. Therefore, it has been classified as a Variant of Uncertain Significance.

NM_001458.5(FLNC):c.7820C>T (p.Ser2607Phe)

Genes: FLNC (filamin C; plus strand), FLNC-AS1 (FLNC antisense RNA 1; minus strand). Cytogenetic location: 7q32.1.
Variant type: single nucleotide variant.
Coding change: c.7820C>T on transcript NM_001458.5 (MANE Select); coding-DNA position 7820, C replaced by T.
Protein change: p.Ser2607Phe; replaces serine 2607 with phenylalanine.
Molecular consequence: missense variant.
Genome position (GRCh38, 1-based): chr7:128,858,047, C>T. VCF-style: chr7-128858047-C-T. GRCh37 (hg19) VCF-style: chr7-128498101-C-T.
Other names: c.7721C>T, p.Ser2574Phe (NM_001127487.2); short protein forms S2574F, S2607F.
Identifiers: ClinVar variation 3755226 (VCV003755226.2).